The following is an entry in ClinVar:

ClinVar aggregate classification (germline): Uncertain significance (1 of 4 stars; one submission).

Conditions:
Familial hypocalciuric hypercalcemia (FHH). Also called: Familial benign hypercalcemia. Identifiers: Orphanet 405, MedGen C1809471, MONDO:0018458.
Autosomal dominant hypocalcemia 1 (HYPOC1). Also called: HYPOCALCEMIA, FAMILIAL. Identifiers: MedGen C3715128, MONDO:0011013, OMIM 601198.

Submission:

Labcorp Genetics (formerly Invitae), Labcorp
Classification: Uncertain significance for Familial hypocalciuric hypercalcemia; Autosomal dominant hypocalcemia 1. Last evaluated: 2022-04-19. Review status: criteria provided, single submitter. Criteria: Invitae Variant Classification Sherloc (09022015). Collection method: clinical testing. Allele origin: germline.
Comment: In summary, the available evidence is currently insufficient to determine the role of this variant in disease. Therefore, it has been classified as a Variant of Uncertain Significance. Algorithms developed to predict the effect of missense changes on protein structure and function (SIFT, PolyPhen-2, Align-GVGD) all suggest that this variant is likely to be tolerated. This variant has not been reported in the literature in individuals affected with CASR-related conditions. This variant is not present in population databases (gnomAD no frequency). This sequence change replaces alanine, which is neutral and non-polar, with valine, which is neutral and non-polar, at codon 230 of the CASR protein (p.Ala230Val).

NM_000388.4(CASR):c.689C>T (p.Ala230Val)

Gene: CASR (calcium sensing receptor; plus strand). Cytogenetic location: 3q21.1.
Variant type: single nucleotide variant.
Coding change: c.689C>T on transcript NM_000388.4 (MANE Select); coding-DNA position 689, C replaced by T.
Protein change: p.Ala230Val; replaces alanine 230 with valine.
Molecular consequence: missense variant.
Genome position (GRCh38, 1-based): chr3:122,261,724, C>T. VCF-style: chr3-122261724-C-T. GRCh37 (hg19) VCF-style: chr3-121980571-C-T.
Other names: c.689C>T, p.Ala230Val (NM_001178065.2); short protein forms A230V.
Identifiers: ClinVar variation 1431911 (VCV001431911.8), dbSNP rs2107632113, ClinGen allele CA354151133.